The following is an entry in ClinVar:

ClinVar aggregate classification (germline): Uncertain significance (1 of 4 stars; one submission).

Allele frequency attached by ClinVar (database versions not stated): gnomAD exomes 0.00001; TOPMed 0.00001.
gnomAD v4.1: 17 of 1,613,846 alleles (0.0011%); highest among the groups gnomAD compares: South Asian, 0.0011%; no homozygotes.

Submission:

Labcorp Genetics (formerly Invitae), Labcorp
Classification: Uncertain significance. Last evaluated: 2024-12-02. Review status: criteria provided, single submitter. Criteria: Invitae Variant Classification Sherloc (09022015). Collection method: clinical testing. Allele origin: germline.
Comment: This sequence change replaces arginine, which is basic and polar, with histidine, which is basic and polar, at codon 793 of the TUBGCP6 protein (p.Arg793His). This variant is present in population databases (no rsID available, gnomAD 0.01%). This variant has not been reported in the literature in individuals affected with TUBGCP6-related conditions. ClinVar contains an entry for this variant (Variation ID: 1007732). An algorithm developed to predict the effect of missense changes on protein structure and function outputs the following: PolyPhen-2: "Benign". The histidine amino acid residue is found in multiple mammalian species, which suggests that this missense change does not adversely affect protein function. In summary, the available evidence is currently insufficient to determine the role of this variant in disease. Therefore, it has been classified as a Variant of Uncertain Significance.

NM_020461.4(TUBGCP6):c.2378G>A (p.Arg793His)

Gene: TUBGCP6 (tubulin gamma complex component 6; minus strand). Cytogenetic location: 22q13.33.
Variant type: single nucleotide variant.
Coding change: c.2378G>A on transcript NM_020461.4 (MANE Select); coding-DNA position 2378, G replaced by A.
Protein change: p.Arg793His; replaces arginine 793 with histidine.
Molecular consequence: missense variant.
Genome position (GRCh38, 1-based): chr22:50,222,485, C>T on the plus strand (G>A on the coding strand, the complement: TUBGCP6 is on the minus strand). VCF-style: chr22-50222485-C-T. GRCh37 (hg19) VCF-style: chr22-50660914-C-T.
Other names: short protein forms R793H.
Identifiers: ClinVar variation 1007732 (VCV001007732.8), dbSNP rs1455375079, ClinGen allele CA412099517.